The following is an entry in ClinVar:

NM_000289.6(PFKM):c.175G>A (p.Val59Met)

Gene: PFKM (phosphofructokinase, muscle; plus strand). Cytogenetic location: 12q13.11.
Variant type: single nucleotide variant.
Coding change: c.175G>A on transcript NM_000289.6 (MANE Select); coding-DNA position 175, G replaced by A.
Protein change: p.Val59Met; replaces valine 59 with methionine.
Molecular consequence: missense variant. On other transcripts: non-coding transcript variant (6).
Genome position (GRCh38, 1-based): chr12:48,131,331, G>A. VCF-style: chr12-48131331-G-A. GRCh37 (hg19) VCF-style: chr12-48525114-G-A.
Other names: c.388G>A, p.Val130Met (NM_001166686.2, NM_001354737.1, NM_001354738.1 and 1 more transcripts); c.175G>A, p.Val59Met (NM_001166687.2, NM_001166688.2, NM_001354742.2 and 4 more transcripts); c.484G>A, p.Val162Met (NM_001354735.1, NM_001354736.1); c.319G>A, p.Val107Met (NM_001354740.1); c.199G>A, p.Val67Met (NM_001354741.2); c.88G>A, p.Val30Met (NM_001354745.2); c.25G>A, p.Val9Met (NM_001354747.2, NM_001354748.2); short protein forms V107M, V130M, V162M, V30M, V59M, V67M, V9M.
Identifiers: ClinVar variation 3765232 (VCV003765232.1).
Genomic context (GRCh38, chr12:48,131,331, plus strand): 5'-TATAGAGAAGCCTAACGGGCTGAACAGGTATAATGTGTCACACAGGGTTATCAAGGCCTG[G>A]TGGATGGTGGAGATCACATCAAGGAAGCCACCTGGGAGAGCGTTTCGATGATGCTTCAGC-3'
Protein context (NP_000280.1, residues 49-69): FFVHEGYQGL[Val59Met]DGGDHIKEAT

ClinVar aggregate classification (germline): Uncertain significance (1 of 4 stars; one submission).

gnomAD v4.1: 6 of 1,612,642 alleles (0.00037%); highest among the groups gnomAD compares: Admixed American, 0.0033%; no homozygotes.

Submission:

Center for Genomic Medicine, Rigshospitalet, Copenhagen University Hospital
Classification: Uncertain significance. Last evaluated: 2025-03-04. Review status: criteria provided, single submitter. Criteria: ACMG Guidelines, 2015. Collection method: clinical testing. Allele origin: germline.
Comment: Classification criteria: PM2_supporting, PP3_supporting